The following is an entry in ClinVar:

ClinVar aggregate classification (germline): Uncertain significance (1 of 4 stars; one submission).

gnomAD v4.1: 1 of 1,614,168 alleles (0.000062%); highest among the groups gnomAD compares: Non-Finnish European, 0.000085%; no homozygotes.

Submission:

GeneDx
Classification: Uncertain significance. Last evaluated: 2025-06-18. Review status: criteria provided, single submitter. Criteria: GeneDx Variant Classification Process June 2021. Collection method: clinical testing. Allele origin: germline. Affected: yes.
Comment: Observed in a patient with glomerulopathy with fibronectin deposits (PMID: 27056061); Not observed at significant frequency in large population cohorts (gnomAD); In silico analysis supports that this missense variant has a deleterious effect on protein structure/function; This variant is associated with the following publications: (PMID: 27056061)

NM_212482.4(FN1):c.2906C>T (p.Pro969Leu)

Gene: FN1 (fibronectin 1; minus strand). Cytogenetic location: 2q35.
Variant type: single nucleotide variant.
Coding change: c.2906C>T on transcript NM_212482.4 (MANE Select); coding-DNA position 2906, C replaced by T.
Protein change: p.Pro969Leu; replaces proline 969 with leucine.
Molecular consequence: missense variant.
Genome position (GRCh38, 1-based): chr2:215,406,318, G>A on the plus strand (C>T on the coding strand, the complement: FN1 is on the minus strand). VCF-style: chr2-215406318-G-A. GRCh37 (hg19) VCF-style: chr2-216271041-G-A.
Other names: c.2906C>T, p.Pro969Leu (NM_001306129.2, NM_001306130.2, NM_001306131.2 and 13 more transcripts); short protein forms P969L.
Identifiers: ClinVar variation 4539956 (VCV004539956.1).